The following is an entry in ClinVar:

ClinVar aggregate classification (germline): Uncertain significance (1 of 4 stars; one submission).

Conditions:
Inborn genetic diseases. Identifiers: MedGen C0950123, MeSH D030342.

Submission:

Ambry Genetics
Classification: Uncertain significance for Inborn genetic diseases. Last evaluated: 2021-11-23. Review status: criteria provided, single submitter. Criteria: Ambry Variant Classification Scheme 2023. Collection method: clinical testing. Allele origin: germline.
Comment: The p.L475F variant (also known as c.1425G>T), located in coding exon 8 of the PIK3CA gene, results from a G to T substitution at nucleotide position 1425. The leucine at codon 475 is replaced by phenylalanine, an amino acid with highly similar properties. This amino acid position is conserved. In addition, the in silico prediction for this alteration is inconclusive. Since supporting evidence is limited at this time, the clinical significance of this alteration remains unclear.

NM_006218.4(PIK3CA):c.1425G>T (p.Leu475Phe)

Gene: PIK3CA (phosphatidylinositol-4,5-bisphosphate 3-kinase catalytic subunit alpha; plus strand). Cytogenetic location: 3q26.32.
Variant type: single nucleotide variant.
Coding change: c.1425G>T on transcript NM_006218.4 (MANE Select); coding-DNA position 1425, G replaced by T.
Protein change: p.Leu475Phe; replaces leucine 475 with phenylalanine.
Molecular consequence: missense variant.
Genome position (GRCh38, 1-based): chr3:179,210,451, G>T. VCF-style: chr3-179210451-G-T. GRCh37 (hg19) VCF-style: chr3-178928239-G-T.
Other names: short protein forms L475F.
Identifiers: ClinVar variation 1772366 (VCV001772366.2), dbSNP rs959926480, ClinGen allele CA355262292.
Genomic context (GRCh38, chr3:179,210,451, plus strand): 5'-TCTCTTATGTATATATAATAGCTTTTCTTCCATCTCTTAGGAAACTCCATGCTTAGAGTT[G>T]GAGTTTGACTGGTTCAGCAGTGTGGTAAAGTTCCCAGATATGTCAGTGATTGAAGAGCAT-3'
Protein context (NP_006209.2, residues 465-485): NPNKETPCLE[Leu475Phe]EFDWFSSVVK